The following is an entry in ClinVar:

NM_000214.3(JAG1):c.634T>C (p.Cys212Arg)

Gene: JAG1 (jagged canonical Notch ligand 1; minus strand). Cytogenetic location: 20p12.2.
Variant type: single nucleotide variant.
Coding change: c.634T>C on transcript NM_000214.3 (MANE Select); coding-DNA position 634, T replaced by C.
Protein change: p.Cys212Arg; replaces cysteine 212 with arginine.
Molecular consequence: missense variant.
Genome position (GRCh38, 1-based): chr20:10,658,528, A>G on the plus strand (T>C on the coding strand, the complement: JAG1 is on the minus strand). VCF-style: chr20-10658528-A-G. GRCh37 (hg19) VCF-style: chr20-10639176-A-G.
Other names: c.634T>C, p.Cys212Arg (LRG_1191t1); short protein forms C212R.
Identifiers: ClinVar variation 468661 (VCV000468661.8), dbSNP rs1555829660, ClinGen allele CA408240030.

ClinVar aggregate classification (germline): Likely pathogenic (1 of 4 stars; one submission).

Conditions:
Alagille syndrome due to a JAG1 point mutation. Also called: Alagille Syndrome 1; HEPATIC DUCTULAR HYPOPLASIA, SYNDROMATIC; JAG1-Related Alagille Syndrome. Identifiers: Orphanet 261619, Orphanet 52, MedGen C1956125, MONDO:0016862, OMIM 118450.

Submission:

Labcorp Genetics (formerly Invitae), Labcorp
Classification: Likely pathogenic for Alagille syndrome due to a JAG1 point mutation. Last evaluated: 2017-07-24. Review status: criteria provided, single submitter. Criteria: Invitae Variant Classification Sherloc (09022015). Collection method: clinical testing. Allele origin: germline.
Comment: In summary, the currently available evidence indicates that the variant is pathogenic, but additional data are needed to prove that conclusively. Therefore, this variant has been classified as Likely Pathogenic. Algorithms developed to predict the effect of missense changes on protein structure and function (SIFT, PolyPhen-2, Align-GVGD) all suggest that this variant is likely to be disruptive, but these predictions have not been confirmed by published functional studies and their clinical significance is uncertain. This variant is not present in population databases (ExAC no frequency). This sequence change replaces cysteine with arginine at codon 212 of the JAG1 protein (p.Cys212Arg). The cysteine residue is highly conserved and there is a large physicochemical difference between cysteine and arginine.